The following is an entry in ClinVar:

ClinVar aggregate classification (germline): Likely benign. Review status: criteria provided, multiple submitters, no conflicts (2 of 4 stars). 5 submissions from 5 submitters: Likely benign (5). Last evaluated 2026-01-07.

Conditions:
POLD1-related polyposis and colorectal cancer syndrome (CRCS10). Also called: Colorectal cancer 10; Colorectal cancer, susceptibility to, 10; COLORECTAL CANCER, SUSCEPTIBILITY TO, ON CHROMOSOME 19q. Identifiers: Orphanet 220460, MedGen C2675481, MONDO:0012953, OMIM 612591.
Hereditary cancer-predisposing syndrome. Also called: Neoplastic Syndromes, Hereditary; Tumor predisposition; Hereditary neoplastic syndrome; Hereditary Cancer Syndrome. Identifiers: Orphanet 140162, MedGen C0027672, MeSH D009386, MONDO:0015356.

Submissions (5):

Labcorp Genetics (formerly Invitae), Labcorp
Classification: Likely benign for POLD1-related polyposis and colorectal cancer syndrome. Last evaluated: 2026-01-07. Review status: criteria provided, single submitter. Criteria: Invitae Variant Classification Sherloc (09022015). Collection method: clinical testing. Allele origin: germline.

CeGaT Center for Human Genetics Tuebingen
Classification: Likely benign. Last evaluated: 2025-09-01. Review status: criteria provided, single submitter. Criteria: CeGaT Center For Human Genetics Tuebingen Variant Classification Criteria Version 2. Collection method: clinical testing. Allele origin: germline. Affected: yes. Observed: 1 variant allele.
Comment: POLD1: BP4, BP7

Sema4
Classification: Likely benign for Hereditary cancer-predisposing syndrome. Last evaluated: 2021-01-26. Review status: criteria provided, single submitter. Criteria: Sema4 Curation Guidelines. Collection method: curation. Allele origin: germline.

Ambry Genetics
Classification: Likely benign for Hereditary cancer-predisposing syndrome. Last evaluated: 2019-03-28. Review status: criteria provided, single submitter. Criteria: Ambry Variant Classification Scheme 2023. Collection method: clinical testing. Allele origin: germline.

GeneDx
Classification: Likely benign. Last evaluated: 2018-04-12. Review status: criteria provided, single submitter. Criteria: GeneDx Variant Classification (06012015). Collection method: clinical testing. Allele origin: germline. Affected: yes.
Comment: This variant is considered likely benign or benign based on one or more of the following criteria: it is a conservative change, it occurs at a poorly conserved position in the protein, it is predicted to be benign by multiple in silico algorithms, and/or has population frequency not consistent with disease.

NM_002691.4(POLD1):c.2988G>C (p.Thr996=)

Gene: POLD1 (DNA polymerase delta 1, catalytic subunit; plus strand). Cytogenetic location: 19q13.33.
Variant type: single nucleotide variant.
Coding change: c.2988G>C on transcript NM_002691.4 (MANE Select); coding-DNA position 2988, G replaced by C.
Protein change: p.Thr996=; no amino-acid change (threonine 996 retained).
Molecular consequence: synonymous variant. On other transcripts: non-coding transcript variant (1).
Genome position (GRCh38, 1-based): chr19:50,416,644, G>C. VCF-style: chr19-50416644-G-C. GRCh37 (hg19) VCF-style: chr19-50919901-G-C.
Other names: c.2988G>C, p.Thr996= (NM_001256849.1); c.3066G>C, p.Thr1022= (NM_001308632.1).
Identifiers: ClinVar variation 682058 (VCV000682058.20), dbSNP rs542996664, ClinGen allele CA508305400.
Genomic context (GRCh38, chr19:50,416,644, plus strand): 5'-CCCACCACCTGCCTCCTCTCCTGCAGGGGGGGACCACACGCGCTGCAAGACGGTGCTCAC[G>C]GGCAAGGTGGGCGGCCTCCTGGCCTTCGCCAAACGCCGCAACTGCTGCATTGGCTGCCGC-3'
Protein context (NP_002682.2, residues 986-1006): GDHTRCKTVL[Thr996=]GKVGGLLAFA